The following is an entry in ClinVar:

NM_001082486.2(ACD):c.1001G>C (p.Ser334Thr)

Gene: ACD (ACD shelterin complex subunit and telomerase recruitment factor; minus strand). Cytogenetic location: 16q22.1.
Variant type: single nucleotide variant.
Coding change: c.1001G>C on transcript NM_001082486.2 (MANE Select); coding-DNA position 1001, G replaced by C.
Protein change: p.Ser334Thr; replaces serine 334 with threonine.
Molecular consequence: missense variant.
Genome position (GRCh38, 1-based): chr16:67,658,191, C>G on the plus strand (G>C on the coding strand, the complement: ACD is on the minus strand). VCF-style: chr16-67658191-C-G. GRCh37 (hg19) VCF-style: chr16-67692094-C-G.
Other names: c.914G>C, p.Ser305Thr (NM_001410884.1); c.992G>C, p.Ser331Thr (NM_022914.3); short protein forms S305T, S331T, S334T.
Identifiers: ClinVar variation 3480411 (VCV003480411.1).

ClinVar aggregate classification (germline): Uncertain significance (1 of 4 stars; one submission).

Conditions:
Inborn genetic diseases. Identifiers: MedGen C0950123, MeSH D030342.

Submission:

Ambry Genetics
Classification: Uncertain significance for Inborn genetic diseases. Last evaluated: 2024-10-13. Review status: criteria provided, single submitter. Criteria: Ambry Variant Classification Scheme 2023. Collection method: clinical testing. Allele origin: germline.
Comment: The p.S420T variant (also known as c.1259G>C), located in coding exon 10 of the ACD gene, results from a G to C substitution at nucleotide position 1259. The serine at codon 420 is replaced by threonine, an amino acid with similar properties. This amino acid position is conserved. In addition, this alteration is predicted to be tolerated by in silico analysis. Based on the available evidence, the clinical significance of this variant remains unclear.